The following is an entry in ClinVar:

NM_001035.3(RYR2):c.2685G>A (p.Met895Ile)

Gene: RYR2 (ryanodine receptor 2; plus strand). Cytogenetic location: 1q43.
Variant type: single nucleotide variant.
Coding change: c.2685G>A on transcript NM_001035.3 (MANE Select); coding-DNA position 2685, G replaced by A.
Protein change: p.Met895Ile; replaces methionine 895 with isoleucine.
Molecular consequence: missense variant.
Genome position (GRCh38, 1-based): chr1:237,506,781, G>A. VCF-style: chr1-237506781-G-A. GRCh37 (hg19) VCF-style: chr1-237670081-G-A.
Other names: short protein forms M895I.
Identifiers: ClinVar variation 4759084 (VCV004759084.1).

ClinVar aggregate classification (germline): Uncertain significance (1 of 4 stars; one submission).

Conditions:
Cardiomyopathy (CMYO). Also called: Cardiomyopathies. Identifiers: Orphanet 167848, MedGen C0878544, MONDO:0004994, HP:0001638. Inheritance: Various modes of inheritance.

Submission:

Color Diagnostics, LLC DBA Color Health
Classification: Uncertain significance for Cardiomyopathy. Last evaluated: 2025-07-20. Review status: criteria provided, single submitter. Criteria: ACMG Guidelines, 2015. Collection method: clinical testing. Allele origin: germline.
Comment: This missense variant replaces methionine with isoleucine at codon 895 of the RYR2 protein. Computational prediction is inconclusive regarding the impact of this variant on protein structure and function. To our knowledge, functional studies have not been reported for this variant. This variant has not been reported in individuals affected with RYR2-related disorders in the literature. This variant has not been identified in the general population by the Genome Aggregation Database (gnomAD). The available evidence is insufficient to determine the role of this variant in disease conclusively. Therefore, this variant is classified as a Variant of Uncertain Significance.